The following is an entry in ClinVar:

ClinVar aggregate classification (germline): Likely benign (1 of 4 stars; one submission).

gnomAD v4.1: 7 of 1,579,562 alleles (0.00044%); highest among the groups gnomAD compares: South Asian, 0.0045%; no homozygotes.

Submission:

CeGaT Center for Human Genetics Tuebingen
Classification: Likely benign. Last evaluated: 2022-06-01. Review status: criteria provided, single submitter. Criteria: CeGaT Center For Human Genetics Tuebingen Variant Classification Criteria Version 2. Collection method: clinical testing. Allele origin: germline. Affected: yes. Observed: 1 variant allele.
Comment: FDXR: PM2:Supporting, BP4, BP7

NM_024417.5(FDXR):c.831G>A (p.Thr277=)

Gene: FDXR (ferredoxin reductase; minus strand). Cytogenetic location: 17q25.1.
Variant type: single nucleotide variant.
Coding change: c.831G>A on transcript NM_024417.5 (MANE Select); coding-DNA position 831, G replaced by A.
Protein change: p.Thr277=; no amino-acid change (threonine 277 retained).
Molecular consequence: synonymous variant. On other transcripts: non-coding transcript variant (1).
Genome position (GRCh38, 1-based): chr17:74,864,319, C>T on the plus strand (G>A on the coding strand, the complement: FDXR is on the minus strand). VCF-style: chr17-74864319-C-T. GRCh37 (hg19) VCF-style: chr17-72860441-C-T.
Other names: c.960G>A, p.Thr320= (NM_001258012.4); c.924G>A, p.Thr308= (NM_001258013.4); c.807G>A, p.Thr269= (NM_001258014.4); c.711G>A, p.Thr237= (NM_001258015.3); c.675G>A, p.Thr225= (NM_001258016.3); c.849G>A, p.Thr283= (NM_004110.6).
Identifiers: ClinVar variation 2648238 (VCV002648238.24), dbSNP rs2038087804, ClinGen allele CA502036031.